The following is an entry in ClinVar:

ClinVar aggregate classification (germline): Likely benign. Review status: criteria provided, multiple submitters, no conflicts (2 of 4 stars). 3 submissions from 3 submitters: Likely benign (3). Last evaluated 2025-08-26.

Conditions:
KMT2D-related disorder. Also called: KMT2D-Related Disorders.
Kabuki syndrome. Also called: NIIKAWA-KUROKI SYNDROME; Kabuki make-up syndrome. Identifiers: Orphanet 2322, MedGen C0796004, MONDO:0016512.

Allele frequency attached by ClinVar (database versions not stated): gnomAD exomes below 0.00001 and 0.00001.
gnomAD v4.1: 14 of 1,581,536 alleles (0.00089%); highest among the groups gnomAD compares: Middle Eastern, 0.017%; no homozygotes.

Submissions (3):

Labcorp Genetics (formerly Invitae), Labcorp
Classification: Likely benign for Kabuki syndrome. Last evaluated: 2025-08-26. Review status: criteria provided, single submitter. Criteria: Invitae Variant Classification Sherloc (09022015). Collection method: clinical testing. Allele origin: germline.

PreventionGenetics, part of Exact Sciences
Classification: Likely benign for KMT2D-related condition. Last evaluated: 2025-05-27. Review status: criteria provided, single submitter. Criteria: ACMG Guidelines, 2015. Collection method: clinical testing. Allele origin: germline.
Comment: This variant is classified as likely benign based on ACMG/AMP sequence variant interpretation guidelines (Richards et al. 2015 PMID: 25741868, with internal and published modifications).

Breakthrough Genomics
Classification: Likely benign. Review status: criteria provided, single submitter. Criteria: ACMG Guidelines, 2015. Collection method: not provided. Allele origin: germline. Inheritance: Autosomal dominant inheritance. Affected: yes.

NM_003482.4(KMT2D):c.401-4A>G

Gene: KMT2D (lysine methyltransferase 2D; minus strand). Cytogenetic location: 12q13.12.
Variant type: single nucleotide variant.
Coding change: c.401-4A>G on transcript NM_003482.4 (MANE Select); 4 bases into the intron before coding-DNA position 401, A replaced by G.
Molecular consequence: intron variant.
Genome position (GRCh38, 1-based): chr12:49,054,420, T>C on the plus strand (A>G on the coding strand, the complement: KMT2D is on the minus strand). VCF-style: chr12-49054420-T-C. GRCh37 (hg19) VCF-style: chr12-49448203-T-C.
Other names: c.401-4A>G (NM_003482.3).
Identifiers: ClinVar variation 1610463 (VCV001610463.10), dbSNP rs577775922, ClinGen allele CA236623737.